The following is an entry in ClinVar:

ClinVar aggregate classification (germline): Uncertain significance. Review status: criteria provided, multiple submitters, no conflicts (2 of 4 stars). 2 submissions from 2 submitters: Uncertain significance (2). Last evaluated 2025-11-06.

Conditions:
Inborn genetic diseases. Identifiers: MedGen C0950123, MeSH D030342.
Charcot-Marie-Tooth disease axonal type 2O. Also called: CHARCOT-MARIE-TOOTH NEUROPATHY, AXONAL, TYPE 2O; CHARCOT-MARIE-TOOTH DISEASE, AXONAL, AUTOSOMAL DOMINANT, TYPE 2O; Charcot-Marie-Tooth Neuropathy Type 2O; Charcot-Marie-Tooth disease, axonal, type 20. Identifiers: Orphanet 284232, MedGen C3280220, MONDO:0013644, OMIM 614228.

Allele frequency attached by ClinVar (database versions not stated): gnomAD 0.00001; gnomAD exomes 0.00001; TOPMed 0.00001.
gnomAD v4.1: 6 of 1,614,066 alleles (0.00037%); highest among the groups gnomAD compares: African/African-American, 0.0013%; no homozygotes.

Submissions (2):

Labcorp Genetics (formerly Invitae), Labcorp
Classification: Uncertain significance for Charcot-Marie-Tooth disease axonal type 2O. Last evaluated: 2025-11-06. Review status: criteria provided, single submitter. Criteria: Invitae Variant Classification Sherloc (09022015). Collection method: clinical testing. Allele origin: germline.
Comment: This sequence change replaces arginine, which is basic and polar, with glutamine, which is neutral and polar, at codon 2823 of the DYNC1H1 protein (p.Arg2823Gln). This variant is not present in population databases (gnomAD no frequency). This variant has not been reported in the literature in individuals affected with DYNC1H1-related conditions. ClinVar contains an entry for this variant (Variation ID: 1441669). Invitae Evidence Modeling of protein sequence and biophysical properties (such as structural, functional, and spatial information, amino acid conservation, physicochemical variation, residue mobility, and thermodynamic stability) has been performed for this missense variant. However, the output from this modeling did not meet the statistical confidence thresholds required to predict the impact of this variant on DYNC1H1 protein function. In summary, the available evidence is currently insufficient to determine the role of this variant in disease. Therefore, it has been classified as a Variant of Uncertain Significance.

Ambry Genetics
Classification: Uncertain significance for Inborn genetic diseases. Last evaluated: 2025-10-24. Review status: criteria provided, single submitter. Criteria: Ambry Variant Classification Scheme 2023. Collection method: clinical testing. Allele origin: germline.

NM_001376.5(DYNC1H1):c.8468G>A (p.Arg2823Gln)

Gene: DYNC1H1 (dynein cytoplasmic 1 heavy chain 1; plus strand). Cytogenetic location: 14q32.31.
Variant type: single nucleotide variant.
Coding change: c.8468G>A on transcript NM_001376.5 (MANE Select); coding-DNA position 8468, G replaced by A.
Protein change: p.Arg2823Gln; replaces arginine 2823 with glutamine.
Molecular consequence: missense variant.
Genome position (GRCh38, 1-based): chr14:102,020,017, G>A. VCF-style: chr14-102020017-G-A. GRCh37 (hg19) VCF-style: chr14-102486354-G-A.
Other names: c.8468G>A (NM_001376.4); short protein forms R2823Q.
Identifiers: ClinVar variation 1441669 (VCV001441669.9), dbSNP rs1034689180, ClinGen allele CA266956465.